The following is an entry in ClinVar:

NM_005534.4(IFNGR2):c.665A>T (p.Asn222Ile)

Gene: IFNGR2 (interferon gamma receptor 2; plus strand). Cytogenetic location: 21q22.11.
Variant type: single nucleotide variant.
Coding change: c.665A>T on transcript NM_005534.4 (MANE Select); coding-DNA position 665, A replaced by T.
Protein change: p.Asn222Ile; replaces asparagine 222 with isoleucine.
Molecular consequence: missense variant.
Genome position (GRCh38, 1-based): chr21:33,432,280, A>T. VCF-style: chr21-33432280-A-T. GRCh37 (hg19) VCF-style: chr21-34804587-A-T.
Other names: c.722A>T, p.Asn241Ile (NM_001329128.2); short protein forms N222I, N241I.
Identifiers: ClinVar variation 636564 (VCV000636564.12), dbSNP rs201843430, ClinGen allele CA10006990.

ClinVar aggregate classification (germline): Conflicting classifications of pathogenicity. Review status: criteria provided, conflicting classifications (1 of 4 stars). 4 submissions from 4 submitters: Uncertain significance (3); Likely benign (1). Last evaluated 2026-05-14.

Conditions:
Inborn genetic diseases. Identifiers: MedGen C0950123, MeSH D030342.
Immunodeficiency 28 (IMD28). Also called: IFNGR2 DEFICIENCY. Identifiers: Orphanet 319547, Orphanet 319574, MedGen C4013947, MONDO:0013953, OMIM 614889.

Allele frequency attached by ClinVar (database versions not stated): gnomAD 0.00004 and 0.00006; TOPMed 0.00005; 1000 Genomes Project 0.00020; ExAC 0.00008; gnomAD exomes 0.00011; 1000 Genomes Project 30x 0.00016.
gnomAD v4.1: 163 of 1,614,144 alleles (0.01%); highest among the groups gnomAD compares: South Asian, 0.075%; 2 homozygotes.

Submissions (4):

Division of Clinical Immunology and Allergy, Necmettin Erbakan University, Faculty of Medicine
Classification: Likely benign for Immunodeficiency 28. Last evaluated: 2026-05-14. Review status: criteria provided, single submitter. Criteria: ACMG Guidelines, 2015. Collection method: clinical testing. Allele origin: germline. Affected: no. Observed: 1 variant allele.

Labcorp Genetics (formerly Invitae), Labcorp
Classification: Uncertain significance for Immunodeficiency 28. Last evaluated: 2025-01-18. Review status: criteria provided, single submitter. Criteria: Invitae Variant Classification Sherloc (09022015). Collection method: clinical testing. Allele origin: germline.
Comment: This sequence change replaces asparagine, which is neutral and polar, with isoleucine, which is neutral and non-polar, at codon 222 of the IFNGR2 protein (p.Asn222Ile). This variant is present in population databases (rs201843430, gnomAD 0.06%), including at least one homozygous and/or hemizygous individual. This variant has not been reported in the literature in individuals affected with IFNGR2-related conditions. ClinVar contains an entry for this variant (Variation ID: 636564). An algorithm developed to predict the effect of missense changes on protein structure and function (PolyPhen-2) suggests that this variant is likely to be disruptive. In summary, the available evidence is currently insufficient to determine the role of this variant in disease. Therefore, it has been classified as a Variant of Uncertain Significance.

Ambry Genetics
Classification: Uncertain significance for Inborn genetic diseases. Last evaluated: 2023-09-29. Review status: criteria provided, single submitter. Criteria: Ambry Variant Classification Scheme 2023. Collection method: clinical testing. Allele origin: germline.

Blueprint Genetics
Classification: Uncertain significance. Last evaluated: 2022-09-06. Review status: criteria provided, single submitter. Criteria: ACMG Guidelines, 2015. Collection method: clinical testing. Allele origin: germline.